The following is an entry in ClinVar:

ClinVar aggregate classification (germline): Uncertain significance (1 of 4 stars; one submission).

Allele frequency attached by ClinVar (database versions not stated): gnomAD exomes below 0.00001.

Submission:

Labcorp Genetics (formerly Invitae), Labcorp
Classification: Uncertain significance. Last evaluated: 2022-08-23. Review status: criteria provided, single submitter. Criteria: Invitae Variant Classification Sherloc (09022015). Collection method: clinical testing. Allele origin: germline.
Comment: In summary, the available evidence is currently insufficient to determine the role of this variant in disease. Therefore, it has been classified as a Variant of Uncertain Significance. Algorithms developed to predict the effect of missense changes on protein structure and function are either unavailable or do not agree on the potential impact of this missense change (SIFT: "Deleterious"; PolyPhen-2: "Probably Damaging"; Align-GVGD: "Class C0"). This variant has not been reported in the literature in individuals affected with BCAP31-related conditions. This variant is not present in population databases (gnomAD no frequency). This sequence change replaces arginine, which is basic and polar, with histidine, which is basic and polar, at codon 98 of the BCAP31 protein (p.Arg98His).

NM_001256447.2(BCAP31):c.293G>A (p.Arg98His)

Gene: BCAP31 (B cell receptor associated protein 31; minus strand). Cytogenetic location: Xq28.
Variant type: single nucleotide variant.
Coding change: c.293G>A on transcript NM_001256447.2 (MANE Select); coding-DNA position 293, G replaced by A.
Protein change: p.Arg98His; replaces arginine 98 with histidine.
Molecular consequence: missense variant.
Genome position (GRCh38, 1-based): chrX:153,715,590, C>T on the plus strand (G>A on the coding strand, the complement: BCAP31 is on the minus strand). VCF-style: chrX-153715590-C-T. GRCh37 (hg19) VCF-style: chrX-152981045-C-T.
Other names: c.293G>A, p.Arg98His (NM_001139441.1, NM_005745.8); c.494G>A, p.Arg165His (NM_001139457.2); short protein forms R165H, R98H.
Identifiers: ClinVar variation 1911423 (VCV001911423.5), dbSNP rs1603227975, ClinGen allele CA415094344.